The following is an entry in ClinVar:

ClinVar aggregate classification (germline): Likely pathogenic (1 of 4 stars; one submission).

Conditions:
Spondyloepiphyseal dysplasia tarda, X-linked. Also called: SED TARDA, X-LINKED. Identifiers: MedGen C3541456, MONDO:0010737, OMIM 313400.

Submission:

Juno Genomics, Hangzhou Juno Genomics, Inc
Classification: Likely pathogenic for Spondyloepiphyseal dysplasia tarda, X-linked. Review status: criteria provided, single submitter. Criteria: ACMG Guidelines, 2015. Collection method: clinical testing. Allele origin: germline. Affected: yes.
Comment: Absent from controls (or at extremely low frequency if recessive) in Genome Aggregation Database, Exome Sequencing Project, 1000 Genomes Project, or Exome Aggregation Consortium.;Null variant in a gene where loss of function (LOF) is a known mechanism of disease.

NM_001011658.4(TRAPPC2):c.144dup (p.Val49fs)

Genes: OFD1 (OFD1 centriole and centriolar satellite protein; plus strand), TRAPPC2 (trafficking protein particle complex subunit 2; minus strand). Cytogenetic location: Xp22.2.
Variant type: Duplication.
Coding change: c.144dup on transcript NM_001011658.4 (MANE Select); coding-DNA position 144, one base duplicated (C; older notation c.144dupC).
Protein change: p.Val49fs; shifts the reading frame from valine 49.
Molecular consequence: frameshift variant.
Genome position (GRCh38, 1-based): chrX:13,716,628, G duplicated on the plus strand (C on the coding strand, the reverse complement: TRAPPC2 is on the minus strand). VCF-style (leftmost placement, unchanged base first): chrX-13716627-C-CG. GRCh37 (hg19) VCF-style: chrX-13734746-C-CG.
Other names: c.246dup, p.Val83fs (NM_001128835.3); c.144dup, p.Val49fs (NM_014563.6); short protein forms V49fs, V83fs.
Identifiers: ClinVar variation 3382952 (VCV003382952.2).